The following is an entry in ClinVar:

NM_080473.5(GATA5):c.248C>G (p.Pro83Arg)

Gene: GATA5 (GATA binding protein 5; minus strand). Cytogenetic location: 20q13.33.
Variant type: single nucleotide variant.
Coding change: c.248C>G on transcript NM_080473.5 (MANE Select); coding-DNA position 248, C replaced by G.
Protein change: p.Pro83Arg; replaces proline 83 with arginine.
Molecular consequence: missense variant.
Genome position (GRCh38, 1-based): chr20:62,475,274, G>C on the plus strand (C>G on the coding strand, the complement: GATA5 is on the minus strand). VCF-style: chr20-62475274-G-C. GRCh37 (hg19) VCF-style: chr20-61050330-G-C.
Other names: short protein forms P83R.
Identifiers: ClinVar variation 4768308 (VCV004768308.1).

ClinVar aggregate classification (germline): Uncertain significance (1 of 4 stars; one submission).

Submission:

Labcorp Genetics (formerly Invitae), Labcorp
Classification: Uncertain significance. Last evaluated: 2025-12-01. Review status: criteria provided, single submitter. Criteria: Invitae Variant Classification Sherloc (09022015). Collection method: clinical testing. Allele origin: germline.
Comment: This sequence change replaces proline, which is neutral and non-polar, with arginine, which is basic and polar, at codon 83 of the GATA5 protein (p.Pro83Arg). This variant is not present in population databases (gnomAD no frequency). This variant has not been reported in the literature in individuals affected with GATA5-related conditions. Invitae Evidence Modeling of protein sequence and biophysical properties (such as structural, functional, and spatial information, amino acid conservation, physicochemical variation, residue mobility, and thermodynamic stability) has been performed for this missense variant. However, the output from this modeling did not meet the statistical confidence thresholds required to predict the impact of this variant on GATA5 protein function. In summary, the available evidence is currently insufficient to determine the role of this variant in disease. Therefore, it has been classified as a Variant of Uncertain Significance.